The following is an entry in ClinVar:

ClinVar aggregate classification (germline): Conflicting classifications of pathogenicity. Review status: criteria provided, conflicting classifications (1 of 4 stars). 6 submissions from 6 submitters: Uncertain significance (4); Benign (1). 1 of the submissions does not count toward it. Last evaluated 2026-01-08.

Conditions:
PDGFRA-related disorder. Also called: PDGFRA-related condition.
Polyps, multiple and recurrent inflammatory fibroid, gastrointestinal. Identifiers: MedGen C5193005, MONDO:0008285, OMIM 175510.
Hereditary cancer-predisposing syndrome. Also called: Tumor predisposition; Hereditary neoplastic syndrome; Hereditary Cancer Syndrome; Neoplastic Syndromes, Hereditary. Identifiers: Orphanet 140162, MedGen C0027672, MeSH D009386, MONDO:0015356.
Gastrointestinal stromal tumor. Also called: Gastrointestinal stromal tumor, somatic; Gastrointestinal stroma tumor. Identifiers: Orphanet 44890, MedGen C0238198, MeSH D046152, MONDO:0011719, OMIM 606764, HP:0100723.

Allele frequency attached by ClinVar (database versions not stated): gnomAD exomes 0.00001; TOPMed 0.00001; ExAC 0.00002; gnomAD 0.00003; ESP Exome Variant Server 0.00008.

Submissions (6):

Labcorp Genetics (formerly Invitae), Labcorp
Classification: Uncertain significance for Gastrointestinal stromal tumor. Last evaluated: 2026-01-08. Review status: criteria provided, single submitter. Criteria: Invitae Variant Classification Sherloc (09022015). Collection method: clinical testing. Allele origin: germline.
Comment: This sequence change replaces asparagine, which is neutral and polar, with histidine, which is basic and polar, at codon 353 of the PDGFRA protein (p.Asn353His). This variant is present in population databases (rs139103850, gnomAD 0.02%). This variant has not been reported in the literature in individuals affected with PDGFRA-related conditions. ClinVar contains an entry for this variant (Variation ID: 135027). Invitae Evidence Modeling of protein sequence and biophysical properties (such as structural, functional, and spatial information, amino acid conservation, physicochemical variation, residue mobility, and thermodynamic stability) indicates that this missense variant is not expected to disrupt PDGFRA protein function with a negative predictive value of 80%. In summary, the available evidence is currently insufficient to determine the role of this variant in disease. Therefore, it has been classified as a Variant of Uncertain Significance.

GeneDx
Classification: Uncertain significance. Last evaluated: 2024-11-05. Review status: criteria provided, single submitter. Criteria: GeneDx Variant Classification Process June 2021. Collection method: clinical testing. Allele origin: germline. Affected: yes.
Comment: In silico analysis supports that this missense variant has a deleterious effect on protein structure/function; Has not been previously published as pathogenic or benign to our knowledge; This variant is associated with the following publications: (PMID: 24728327)

Ambry Genetics
Classification: Benign for Hereditary cancer-predisposing syndrome. Last evaluated: 2024-10-02. Review status: criteria provided, single submitter. Criteria: Ambry Variant Classification Scheme 2023. Collection method: clinical testing. Allele origin: germline.

St. Jude Molecular Pathology, St. Jude Children's Research Hospital
Classification: Uncertain significance for Polyps, multiple and recurrent inflammatory fibroid, gastrointestinal. Last evaluated: 2023-10-18. Review status: criteria provided, single submitter. Criteria: St. Jude Assertion Criteria 2020. Collection method: clinical testing. Allele origin: germline.
Comment: The PDGFRA c.1057A>C (p.Asn353His) missense change has a maximum subpopulation frequency of 0.024% in gnomAD v2.1.1. The in silico tool REVEL is inconclusive about a pathogenic or benign effect of this variant on protein function, and to our knowledge functional studies have not been performed. To our knowledge, this variant has not been reported in individuals with PDGFRA-related conditions. In summary, the evidence currently available is insufficient to determine the clinical significance of this variant. It has therefore been classified as of uncertain significance.

PreventionGenetics, part of Exact Sciences
Classification: Uncertain significance for PDGFRA-related condition. Last evaluated: 2023-08-18. Review status: criteria provided, single submitter. Criteria: ACMG Guidelines, 2015. Collection method: clinical testing. Allele origin: germline.
Comment: The PDGFRA c.1057A>C variant is predicted to result in the amino acid substitution p.Asn353His. It has been reported in an individual from a genome sequencing cohort of healthy individuals (Table S1, Bodian et al. 2014. PubMed ID: 24728327). This variant is reported in 0.024% of alleles in individuals of African descent in gnomAD. It is interpreted as uncertain significance in ClinVar. At this time, the clinical significance of this variant is uncertain due to the absence of conclusive functional and genetic evidence.

ITMI
No classification provided. Condition: AllHighlyPenetrant. Last evaluated: 2013-09-19. Review status: no classification provided. Collection method: reference population. Allele origin: germline. Not counted in ClinVar's aggregate classification.
Comment: Please see associated publication for description of ethnicities

Literature cited by the submitters: PubMed 24728327 (cited by Ambry Genetics and ITMI).

NM_006206.6(PDGFRA):c.1057A>C (p.Asn353His)

Gene: PDGFRA (platelet derived growth factor receptor alpha; plus strand). Cytogenetic location: 4q12.
Variant type: single nucleotide variant.
Coding change: c.1057A>C on transcript NM_006206.6 (MANE Select); coding-DNA position 1057, A replaced by C.
Protein change: p.Asn353His; replaces asparagine 353 with histidine.
Molecular consequence: missense variant.
Genome position (GRCh38, 1-based): chr4:54,267,677, A>C. VCF-style: chr4-54267677-A-C. GRCh37 (hg19) VCF-style: chr4-55133844-A-C.
Other names: c.1057A>C, p.Asn353His (NM_001347827.2, NM_001347829.2); c.1132A>C, p.Asn378His (NM_001347828.2); c.1096A>C, p.Asn366His (NM_001347830.2); c.1057A>C (NM_006206.5); short protein forms N353H, N366H, N378H.
Identifiers: ClinVar variation 135027 (VCV000135027.17), dbSNP rs139103850, ClinGen allele CA161450.